The following is an entry in ClinVar:

NM_000823.4(GHRHR):c.290del (p.Thr97fs)

Gene: GHRHR (growth hormone releasing hormone receptor; plus strand). Cytogenetic location: 7p14.3.
Variant type: Deletion.
Coding change: c.290del on transcript NM_000823.4 (MANE Select); coding-DNA position 290, one base deleted (C; older notation c.290delC).
Protein change: p.Thr97fs; shifts the reading frame from threonine 97.
Molecular consequence: frameshift variant.
Genome position (GRCh38, 1-based): chr7:30,969,888, C deleted. VCF-style (leftmost placement, unchanged base first): chr7-30969887-AC-A. GRCh37 (hg19) VCF-style: chr7-31009502-AC-A.
Other names: short protein forms T97fs.
Identifiers: ClinVar variation 2719597 (VCV002719597.3), dbSNP rs2535095827, ClinGen allele CA2697557188.

ClinVar aggregate classification (germline): Pathogenic (1 of 4 stars; one submission).

Submission:

Labcorp Genetics (formerly Invitae), Labcorp
Classification: Pathogenic. Last evaluated: 2023-06-20. Review status: criteria provided, single submitter. Criteria: Invitae Variant Classification Sherloc (09022015). Collection method: clinical testing. Allele origin: germline.
Comment: This sequence change creates a premature translational stop signal (p.Thr97Ilefs*33) in the GHRHR gene. It is expected to result in an absent or disrupted protein product. Loss-of-function variants in GHRHR are known to be pathogenic (PMID: 12444890, 16355809). This variant is not present in population databases (gnomAD no frequency). This variant has not been reported in the literature in individuals affected with GHRHR-related conditions. For these reasons, this variant has been classified as Pathogenic.

Literature cited by the submitters: PubMed 12444890; PubMed 16355809.